The following is an entry in ClinVar:

ClinVar aggregate classification (germline): Pathogenic (1 of 4 stars; one submission).

Submission:

ISCA site 4
Classification: Pathogenic. Last evaluated: 2011-08-12. Review status: criteria provided, single submitter. Criteria: Kaminsky et al. (Genet Med. 2011). Collection method: clinical testing. Allele origin: maternal. Affected: yes. Observed: 1 variant allele.
Comment: Copy number variation identified through the course of routine clinical cytogenomic testing in postnatal populations. Clinical assertions have been curated as described in Kaminsky et al. 2011.

GRCh38/hg38 18q12.1-12.3(chr18:31655749-42564094)x3

Genes: ASXL3 (ASXL transcriptional regulator 3; plus strand), B4GALT6 (beta-1,4-galactosyltransferase 6; minus strand), CCDC178 (coiled-coil domain containing 178; minus strand), CELF4 (CUGBP Elav-like family member 4; minus strand), COSMOC (cell fate and sterol metabolism associated divergent transcript of MOCOS; minus strand) and 145 more. Cytogenetic location: 18q12.1-12.3.
Variant type: copy number gain.
Change: copy number 3 (three copies instead of two) of chr18:31,655,749-42,564,094 (10.91 Mb, GRCh38 coordinates, 1-based), cytogenetic band 18q12.1-12.3.
Identifiers: ClinVar variation 57135 (VCV000057135.1).